The following is an entry in ClinVar:

ClinVar aggregate classification (germline): Uncertain significance (1 of 4 stars; one submission).

Submission:

Labcorp Genetics (formerly Invitae), Labcorp
Classification: Uncertain significance. Last evaluated: 2023-07-10. Review status: criteria provided, single submitter. Criteria: Invitae Variant Classification Sherloc (09022015). Collection method: clinical testing. Allele origin: germline.
Comment: An algorithm developed to predict the effect of missense changes on protein structure and function (PolyPhen-2) suggests that this variant is likely to be disruptive. ClinVar contains an entry for this variant (Variation ID: 1996144). This variant has not been reported in the literature in individuals affected with ESCO2-related conditions. This variant is not present in population databases (gnomAD no frequency). This sequence change replaces threonine, which is neutral and polar, with lysine, which is basic and polar, at codon 578 of the ESCO2 protein (p.Thr578Lys). In summary, the available evidence is currently insufficient to determine the role of this variant in disease. Therefore, it has been classified as a Variant of Uncertain Significance.

NM_001017420.3(ESCO2):c.1733C>A (p.Thr578Lys)

Gene: ESCO2 (establishment of sister chromatid cohesion N-acetyltransferase 2; plus strand). Cytogenetic location: 8p21.1.
Variant type: single nucleotide variant.
Coding change: c.1733C>A on transcript NM_001017420.3 (MANE Select); coding-DNA position 1733, C replaced by A.
Protein change: p.Thr578Lys; replaces threonine 578 with lysine.
Molecular consequence: missense variant.
Genome position (GRCh38, 1-based): chr8:27,803,365, C>A. VCF-style: chr8-27803365-C-A. GRCh37 (hg19) VCF-style: chr8-27660882-C-A.
Other names: short protein forms T578K.
Identifiers: ClinVar variation 1996144 (VCV001996144.4), dbSNP rs1489877013, ClinGen allele CA370827962.